The following is an entry in ClinVar:

ClinVar aggregate classification (germline): Uncertain significance. Review status: criteria provided, multiple submitters, no conflicts (2 of 4 stars). 2 submissions from 2 submitters: Uncertain significance (2). Last evaluated 2024-05-28.

Conditions:
Familial amyloid nephropathy with urticaria AND deafness (MWS). Also called: UDA SYNDROME; URTICARIA-DEAFNESS-AMYLOIDOSIS SYNDROME; MUCKLE-WELLS SYNDROME; Urticaria, deafness and amyloidosis; CRYOPYRIN-ASSOCIATED PERIODIC SYNDROME 2. Identifiers: Orphanet 575, MedGen C0268390, MONDO:0008633, OMIM 191900.
Chronic infantile neurological, cutaneous and articular syndrome (CINCA). Also called: CHRONIC NEUROLOGIC CUTANEOUS AND ARTICULAR SYNDROME; CINCA syndrome; Prieur Griscelli syndrome; CRYOPYRIN-ASSOCIATED PERIODIC SYNDROME 3. Identifiers: Orphanet 1451, MedGen C0409818, MONDO:0011776, OMIM 607115.
Hearing loss, autosomal dominant 34, with or without inflammation. Also called: DEAFNESS, AUTOSOMAL DOMINANT 34, WITH OR WITHOUT INFLAMMATION. Identifiers: MedGen C4521680, MONDO:0033261, OMIM 617772.
Familial cold autoinflammatory syndrome 1 (FCAS1). Also called: CRYOPYRIN-ASSOCIATED PERIODIC SYNDROME 1; Familial cold inflammatory syndrome 1. Identifiers: Orphanet 47045, MedGen C4551895, MONDO:0007349, OMIM 120100.
Keratitis fugax hereditaria. Also called: KERATOENDOTHELIITIS FUGAX HEREDITARIA. Identifiers: Orphanet 647815, MedGen C1835697, MONDO:0007849, OMIM 148200.
Cryopyrin associated periodic syndrome (CAPS). Identifiers: Orphanet 208650, MedGen C2316212, MONDO:0016168.

gnomAD v4.1: 6 of 1,613,978 alleles (0.00037%); highest among the groups gnomAD compares: African/African-American, 0.004%; no homozygotes.

Submissions (2):

Labcorp Genetics (formerly Invitae), Labcorp
Classification: Uncertain significance for Cryopyrin associated periodic syndrome. Last evaluated: 2024-05-28. Review status: criteria provided, single submitter. Criteria: Invitae Variant Classification Sherloc (09022015). Collection method: clinical testing. Allele origin: germline.
Comment: This sequence change replaces serine, which is neutral and polar, with glycine, which is neutral and non-polar, at codon 428 of the NLRP3 protein (p.Ser428Gly). This variant is present in population databases (rs201979836, gnomAD 0.1%). This variant has not been reported in the literature in individuals affected with NLRP3-related conditions. Advanced modeling of protein sequence and biophysical properties (such as structural, functional, and spatial information, amino acid conservation, physicochemical variation, residue mobility, and thermodynamic stability) performed at Invitae indicates that this missense variant is not expected to disrupt NLRP3 protein function with a negative predictive value of 95%. In summary, the available evidence is currently insufficient to determine the role of this variant in disease. Therefore, it has been classified as a Variant of Uncertain Significance.

Fulgent Genetics
Classification: Uncertain significance for Familial cold autoinflammatory syndrome 1; Keratitis fugax hereditaria; Familial amyloid nephropathy with urticaria AND deafness; Chronic infantile neurological, cutaneous and articular syndrome; Hearing loss, autosomal dominant 34, with or without inflammation. Last evaluated: 2024-01-08. Review status: criteria provided, single submitter. Criteria: ACMG Guidelines, 2015. Collection method: clinical testing. Allele origin: germline.

NM_001243133.2(NLRP3):c.1276A>G (p.Ser426Gly)

Gene: NLRP3 (NLR family pyrin domain containing 3; plus strand). Cytogenetic location: 1q44.
Variant type: single nucleotide variant.
Coding change: c.1276A>G on transcript NM_001243133.2 (MANE Select); coding-DNA position 1276, A replaced by G.
Protein change: p.Ser426Gly; replaces serine 426 with glycine.
Molecular consequence: missense variant.
Genome position (GRCh38, 1-based): chr1:247,424,725, A>G. VCF-style: chr1-247424725-A-G. GRCh37 (hg19) VCF-style: chr1-247588027-A-G.
Other names: c.1276A>G, p.Ser426Gly (NM_001079821.3, NM_001127461.3, NM_001127462.3 and 1 more transcripts); c.1282A>G, p.Ser428Gly (NM_004895.5); short protein forms S428G, S426G.
Identifiers: ClinVar variation 3583197 (VCV003583197.3).